The following is an entry in ClinVar:

NM_152703.5(SAMD9L):c.254A>G (p.His85Arg)

Gene: SAMD9L (sterile alpha motif domain containing 9 like; minus strand). Cytogenetic location: 7q21.2.
Variant type: single nucleotide variant.
Coding change: c.254A>G on transcript NM_152703.5 (MANE Select); coding-DNA position 254, A replaced by G.
Protein change: p.His85Arg; replaces histidine 85 with arginine.
Molecular consequence: missense variant.
Genome position (GRCh38, 1-based): chr7:93,135,718, T>C on the plus strand (A>G on the coding strand, the complement: SAMD9L is on the minus strand). VCF-style: chr7-93135718-T-C. GRCh37 (hg19) VCF-style: chr7-92765031-T-C.
Other names: c.254A>G, p.His85Arg (NM_001303496.3, NM_001303497.3, NM_001303498.3 and 5 more transcripts); short protein forms H85R.
Identifiers: ClinVar variation 1719035 (VCV001719035.5), dbSNP rs2535440106, ClinGen allele CA368206434.
Genomic context (GRCh38, chr7:93,135,718, plus strand): 5'-TTTGGATTTTTCTGGTGTTCTGTTTTGGACGGTTTTGAATTATCTAATTGTCCCGGATCA[T>C]GATTGTCACTTTCAGGGGACTTACTATTCAATTTGTTGTATGAACGTTTTATCAAAAGTG-3'
Protein context (NP_689916.2, residues 75-95): LNSKSPESDN[His85Arg]DPGQLDNSKP

ClinVar aggregate classification (germline): Uncertain significance (1 of 4 stars; one submission).

Submission:

Labcorp Genetics (formerly Invitae), Labcorp
Classification: Uncertain significance. Last evaluated: 2022-10-17. Review status: criteria provided, single submitter. Criteria: Invitae Variant Classification Sherloc (09022015). Collection method: clinical testing. Allele origin: germline.
Comment: This variant is not present in population databases (gnomAD no frequency). This sequence change replaces histidine, which is basic and polar, with arginine, which is basic and polar, at codon 85 of the SAMD9L protein (p.His85Arg). This variant has not been reported in the literature in individuals affected with SAMD9L-related conditions. In summary, the available evidence is currently insufficient to determine the role of this variant in disease. Therefore, it has been classified as a Variant of Uncertain Significance. Algorithms developed to predict the effect of missense changes on protein structure and function are either unavailable or do not agree on the potential impact of this missense change (SIFT: "Not Available"; PolyPhen-2: "Benign"; Align-GVGD: "Not Available").